The following is an entry in ClinVar:

NM_016169.4(SUFU):c.898C>T (p.Leu300Phe)

Gene: SUFU (SUFU negative regulator of hedgehog signaling; plus strand). Cytogenetic location: 10q24.32.
Variant type: single nucleotide variant.
Coding change: c.898C>T on transcript NM_016169.4 (MANE Select); coding-DNA position 898, C replaced by T.
Protein change: p.Leu300Phe; replaces leucine 300 with phenylalanine.
Molecular consequence: missense variant.
Genome position (GRCh38, 1-based): chr10:102,597,281, C>T. VCF-style: chr10-102597281-C-T. GRCh37 (hg19) VCF-style: chr10-104357038-C-T.
Other names: c.898C>T, p.Leu300Phe (NM_001178133.2); short protein forms L300F.
Identifiers: ClinVar variation 1765345 (VCV001765345.2), dbSNP rs1399033829, ClinGen allele CA377910865.

ClinVar aggregate classification (germline): Uncertain significance (1 of 4 stars; one submission).

Conditions:
Hereditary cancer-predisposing syndrome. Also called: Neoplastic Syndromes, Hereditary; Tumor predisposition; Hereditary Cancer Syndrome; Hereditary neoplastic syndrome. Identifiers: Orphanet 140162, MedGen C0027672, MeSH D009386, MONDO:0015356.

Allele frequency attached by ClinVar (database versions not stated): TOPMed below 0.00001.

Submission:

Ambry Genetics
Classification: Uncertain significance for Hereditary cancer-predisposing syndrome. Last evaluated: 2022-08-16. Review status: criteria provided, single submitter. Criteria: Ambry Variant Classification Scheme 2023. Collection method: clinical testing. Allele origin: germline.
Comment: The p.L300F variant (also known as c.898C>T), located in coding exon 7 of the SUFU gene, results from a C to T substitution at nucleotide position 898. The leucine at codon 300 is replaced by phenylalanine, an amino acid with highly similar properties. This amino acid position is conserved. In addition, the in silico prediction for this alteration is inconclusive. Since supporting evidence is limited at this time, the clinical significance of this alteration remains unclear.